The following is an entry in ClinVar:

ClinVar aggregate classification (germline): Uncertain significance (1 of 4 stars; one submission).

Submission:

Labcorp Genetics (formerly Invitae), Labcorp
Classification: Uncertain significance. Last evaluated: 2021-02-01. Review status: criteria provided, single submitter. Criteria: Invitae Variant Classification Sherloc (09022015). Collection method: clinical testing. Allele origin: germline.
Comment: This sequence change replaces proline with arginine at codon 124 of the NSMCE3 protein (p.Pro124Arg). The proline residue is moderately conserved and there is a moderate physicochemical difference between proline and arginine. This variant is not present in population databases (ExAC no frequency). This variant has not been reported in the literature in individuals with NSMCE3-related conditions. Algorithms developed to predict the effect of missense changes on protein structure and function are either unavailable or do not agree on the potential impact of this missense change (SIFT: "Deleterious"; PolyPhen-2: "Possibly Damaging"; Align-GVGD: "Class C15"). In summary, the available evidence is currently insufficient to determine the role of this variant in disease. Therefore, it has been classified as a Variant of Uncertain Significance.

NM_138704.4(NSMCE3):c.371C>G (p.Pro124Arg)

Genes: ENTREP2 (endosomal transmembrane epsin interactor 2; minus strand), NSMCE3 (NSE3 component of SMC5/6 complex; minus strand). Cytogenetic location: 15q13.1.
Variant type: single nucleotide variant.
Coding change: c.371C>G on transcript NM_138704.4 (MANE Select); coding-DNA position 371, C replaced by G.
Protein change: p.Pro124Arg; replaces proline 124 with arginine.
Molecular consequence: missense variant. On other transcripts: intron variant (5).
Genome position (GRCh38, 1-based): chr15:29,269,335, G>C on the plus strand (C>G on the coding strand, the complement: NSMCE3 is on the minus strand). VCF-style: chr15-29269335-G-C. GRCh37 (hg19) VCF-style: chr15-29561539-G-C.
Other names: c.-12-16857C>G (NM_001387217.1, NM_001387215.1, NM_001387216.1); c.277-16857C>G (NM_001387214.1, NM_015307.2); short protein forms P124R.
Identifiers: ClinVar variation 1368673 (VCV001368673.8), dbSNP rs748247488, ClinGen allele CA391484377.